The following is an entry in ClinVar:

ClinVar aggregate classification (germline): Uncertain significance (1 of 4 stars; one submission).

Submission:

Labcorp Genetics (formerly Invitae), Labcorp
Classification: Uncertain significance. Last evaluated: 2024-08-29. Review status: criteria provided, single submitter. Criteria: Invitae Variant Classification Sherloc (09022015). Collection method: clinical testing. Allele origin: germline.
Comment: This sequence change replaces alanine, which is neutral and non-polar, with threonine, which is neutral and polar, at codon 1289 of the NPAT protein (p.Ala1289Thr). This variant is not present in population databases (gnomAD no frequency). This variant has not been reported in the literature in individuals affected with NPAT-related conditions. An algorithm developed to predict the effect of missense changes on protein structure and function (PolyPhen-2) suggests that this variant is likely to be tolerated. In summary, the available evidence is currently insufficient to determine the role of this variant in disease. Therefore, it has been classified as a Variant of Uncertain Significance.

NM_002519.3(NPAT):c.3865G>A (p.Ala1289Thr)

Gene: NPAT (nuclear protein, coactivator of histone transcription; minus strand). Cytogenetic location: 11q22.3.
Variant type: single nucleotide variant.
Coding change: c.3865G>A on transcript NM_002519.3 (MANE Select); coding-DNA position 3865, G replaced by A.
Protein change: p.Ala1289Thr; replaces alanine 1289 with threonine.
Molecular consequence: missense variant.
Genome position (GRCh38, 1-based): chr11:108,161,221, C>T on the plus strand (G>A on the coding strand, the complement: NPAT is on the minus strand). VCF-style: chr11-108161221-C-T. GRCh37 (hg19) VCF-style: chr11-108031948-C-T.
Other names: c.3886G>A, p.Ala1296Thr (NM_001321307.1); short protein forms A1289T, A1296T.
Identifiers: ClinVar variation 3669357 (VCV003669357.2).